The following is an entry in ClinVar:

ClinVar aggregate classification (germline): Conflicting classifications of pathogenicity. Review status: criteria provided, conflicting classifications (1 of 4 stars). 2 submissions from 2 submitters: Uncertain significance (1); Likely benign (1). Last evaluated 2025-05-14.

Conditions:
Cardiovascular phenotype. Identifiers: MedGen CN230736.
Familial hypobetalipoproteinemia 1. Also called: Hypobetalipoproteinemia, normotriglyceridemic; Acanthocytosis with hypobetalipoproteinemia; APOB-Related Familial Hypobetalipoproteinemia. Identifiers: MedGen C4551990, MONDO:0014252, OMIM 615558.
Hypercholesterolemia, autosomal dominant, type B (FHCL2). Also called: Familial hypercholesterolemia 2; APOB-Related Familial Hypercholesterolemia, Autosomal Dominant; Familial Hypercholesterolemia Type B; APOLIPOPROTEIN B-100, FAMILIAL DEFECTIVE; APOLIPOPROTEIN B-100, FAMILIAL LIGAND-DEFECTIVE; HYPERCHOLESTEROLEMIA, FAMILIAL, DUE TO LIGAND-DEFECTIVE APOLIPOPROTEIN B. Identifiers: MedGen C1704417, MONDO:0007751, OMIM 144010.

Allele frequency attached by ClinVar (database versions not stated): gnomAD exomes below 0.00001.
gnomAD v4.1: 3 of 1,614,154 alleles (0.00019%); highest among the groups gnomAD compares: Non-Finnish European, 0.00025%; no homozygotes.

Submissions (2):

Ambry Genetics
Classification: Likely benign for Cardiovascular phenotype. Last evaluated: 2025-05-14. Review status: criteria provided, single submitter. Criteria: Ambry Variant Classification Scheme 2023. Collection method: clinical testing. Allele origin: germline.

Labcorp Genetics (formerly Invitae), Labcorp
Classification: Uncertain significance for Familial hypobetalipoproteinemia 1; Hypercholesterolemia, autosomal dominant, type B. Last evaluated: 2025-01-17. Review status: criteria provided, single submitter. Criteria: Invitae Variant Classification Sherloc (09022015). Collection method: clinical testing. Allele origin: germline.
Comment: This sequence change replaces glutamic acid, which is acidic and polar, with glycine, which is neutral and non-polar, at codon 2079 of the APOB protein (p.Glu2079Gly). This variant is not present in population databases (gnomAD no frequency). This variant has not been reported in the literature in individuals affected with APOB-related conditions. ClinVar contains an entry for this variant (Variation ID: 1058219). Invitae Evidence Modeling of protein sequence and biophysical properties (such as structural, functional, and spatial information, amino acid conservation, physicochemical variation, residue mobility, and thermodynamic stability) indicates that this missense variant is not expected to disrupt APOB protein function with a negative predictive value of 95%. In summary, the available evidence is currently insufficient to determine the role of this variant in disease. Therefore, it has been classified as a Variant of Uncertain Significance.

NM_000384.3(APOB):c.6236A>G (p.Glu2079Gly)

Gene: APOB (apolipoprotein B; minus strand). Cytogenetic location: 2p24.1.
Variant type: single nucleotide variant.
Coding change: c.6236A>G on transcript NM_000384.3 (MANE Select); coding-DNA position 6236, A replaced by G.
Protein change: p.Glu2079Gly; replaces glutamic acid 2079 with glycine.
Molecular consequence: missense variant.
Genome position (GRCh38, 1-based): chr2:21,010,632, T>C on the plus strand (A>G on the coding strand, the complement: APOB is on the minus strand). VCF-style: chr2-21010632-T-C. GRCh37 (hg19) VCF-style: chr2-21233504-T-C.
Other names: c.6236A>G (NM_000384.2); short protein forms E2079G.
Identifiers: ClinVar variation 1058219 (VCV001058219.11), dbSNP rs2103357318, ClinGen allele CA346002202.